The following is an entry in ClinVar:

NM_024408.4(NOTCH2):c.3566A>T (p.Asp1189Val)

Gene: NOTCH2 (notch receptor 2; minus strand). Cytogenetic location: 1p12.
Variant type: single nucleotide variant.
Coding change: c.3566A>T on transcript NM_024408.4 (MANE Select); coding-DNA position 3566, A replaced by T.
Protein change: p.Asp1189Val; replaces aspartic acid 1189 with valine.
Molecular consequence: missense variant.
Genome position (GRCh38, 1-based): chr1:119,935,561, T>A on the plus strand (A>T on the coding strand, the complement: NOTCH2 is on the minus strand). VCF-style: chr1-119935561-T-A. GRCh37 (hg19) VCF-style: chr1-120478184-T-A.
Other names: c.3566A>T, p.Asp1189Val (NM_001200001.2); short protein forms D1189V.
Identifiers: ClinVar variation 2113351 (VCV002113351.4), dbSNP rs2526182311, ClinGen allele CA341851613.

ClinVar aggregate classification (germline): Uncertain significance (1 of 4 stars; one submission).

Conditions:
Hajdu-Cheney syndrome (HJCYS). Also called: Acroosteolysis dominant type; SERPENTINE FIBULA-POLYCYSTIC KIDNEY SYNDROME; ACROOSTEOLYSIS WITH OSTEOPOROSIS AND CHANGES IN SKULL AND MANDIBLE. Identifiers: Orphanet 955, MedGen C0917715, MONDO:0007057, OMIM 102500.

Submission:

Labcorp Genetics (formerly Invitae), Labcorp
Classification: Uncertain significance for Hajdu-Cheney syndrome. Last evaluated: 2022-10-08. Review status: criteria provided, single submitter. Criteria: Invitae Variant Classification Sherloc (09022015). Collection method: clinical testing. Allele origin: germline.
Comment: In summary, the available evidence is currently insufficient to determine the role of this variant in disease. Therefore, it has been classified as a Variant of Uncertain Significance. Algorithms developed to predict the effect of sequence changes on RNA splicing suggest that this variant may disrupt the consensus splice site. Advanced modeling of protein sequence and biophysical properties (such as structural, functional, and spatial information, amino acid conservation, physicochemical variation, residue mobility, and thermodynamic stability) performed at Invitae indicates that this missense variant is not expected to disrupt NOTCH2 protein function. This variant has not been reported in the literature in individuals affected with NOTCH2-related conditions. This variant is not present in population databases (gnomAD no frequency). This sequence change replaces aspartic acid, which is acidic and polar, with valine, which is neutral and non-polar, at codon 1189 of the NOTCH2 protein (p.Asp1189Val).